The following is an entry in ClinVar:

NM_000419.5(ITGA2B):c.1591C>T (p.Gln531Ter)

Gene: ITGA2B (integrin subunit alpha 2b; minus strand). Cytogenetic location: 17q21.31.
Variant type: single nucleotide variant.
Coding change: c.1591C>T on transcript NM_000419.5 (MANE Select); coding-DNA position 1591, C replaced by T.
Protein change: p.Gln531Ter; replaces glutamine 531 with a stop codon.
Molecular consequence: nonsense.
Genome position (GRCh38, 1-based): chr17:44,380,255, G>A on the plus strand (C>T on the coding strand, the complement: ITGA2B is on the minus strand). VCF-style: chr17-44380255-G-A. GRCh37 (hg19) VCF-style: chr17-42457623-G-A.
Other names: NM_000419.5:c.1591C>T; short protein forms Q531*.
Identifiers: ClinVar variation 1879013 (VCV001879013.1), dbSNP rs1175814929, ClinGen allele CA399802478.
Genomic context (GRCh38, chr17:44,380,255, plus strand): 5'-CTCCGGGGGAGTCCAAGCCCACCTCCCTCCTGCCCCCTTCATGCCACTCACATAGCTTCT[G>A]AGGAATGTTGTGCCCAGTGGCTCCAACACACATCTGGATGTTGAAGCTGCAAAGACGTAA-3'

ClinVar aggregate classification (germline): Pathogenic (3 of 4 stars; one submission).

Conditions:
Glanzmann thrombasthenia. Also called: PLATELET GLYCOPROTEIN IIb-IIIa DEFICIENCY; BLEEDING DISORDER, PLATELET-TYPE, 2; THROMBASTHENIA OF GLANZMANN AND NAEGELI; Thrombasthenia; Glanzmann's thrombasthenia. Identifiers: Orphanet 849, MedGen C0040015, MONDO:0100326.

Submission:

ClinGen Platelet Disorders Variant Curation Expert Panel, ClinGen
Classification: Pathogenic for Glanzmann thrombasthenia. Last evaluated: 2022-10-06. Review status: reviewed by expert panel. Criteria: ClinGen Platelet ACMG Specifications v2-1. Collection method: curation. Allele origin: germline. Inheritance: Autosomal recessive inheritance.
Comment: The NM_000419.5(ITGA2B):c.1591C>T (p.Gln531Ter) nonsense variant in exon 16/30 is predicted to to cause a premature stop codon in a biologically-relevant-exon and is predicted to lead to nonsense mediated decay in a gene in which loss-of-function is an established disease mechanism (PVS1). GT type 1 patient NA (PMID: 11798398) is homozygous for this variant (PM3_supporting). This variant is absent from gnomAD v2.1.1 (PM2_Supporting). In summary, this variant meets the criteria to be classified as Pathogenic for autosomal recessive Glanzmann Thrombasthenia based on the ACMG/AMP criteria applied, as specified by the ClinGen PD VCEP: PVS1, PM2_supporting, PM3_supporting.